The following is an entry in ClinVar:

ClinVar aggregate classification (germline): Uncertain significance (1 of 4 stars; one submission).

Submission:

Labcorp Genetics (formerly Invitae), Labcorp
Classification: Uncertain significance. Last evaluated: 2021-07-10. Review status: criteria provided, single submitter. Criteria: Invitae Variant Classification Sherloc (09022015). Collection method: clinical testing. Allele origin: germline.
Comment: In summary, the available evidence is currently insufficient to determine the role of this variant in disease. Therefore, it has been classified as a Variant of Uncertain Significance. Nucleotide substitutions within the consensus splice site are a relatively common cause of aberrant splicing (PMID: 17576681, 9536098). Algorithms developed to predict the effect of sequence changes on RNA splicing suggest that this variant is not likely to affect RNA splicing, but this prediction has not been confirmed by published transcriptional studies. This variant has not been reported in the literature in individuals with CNGA3-related conditions. This variant is not present in population databases (ExAC no frequency). This sequence change falls in intron 3 of the CNGA3 gene. It does not directly change the encoded amino acid sequence of the CNGA3 protein, but it affects a nucleotide within the consensus splice site of the intron.

Literature cited by the submitters: PubMed 17576681; PubMed 9536098.

NM_001298.3(CNGA3):c.215+6T>C

Gene: CNGA3 (cyclic nucleotide gated channel subunit alpha 3; plus strand). Cytogenetic location: 2q11.2.
Variant type: single nucleotide variant.
Coding change: c.215+6T>C on transcript NM_001298.3 (MANE Select); 6 bases into the intron after coding-DNA position 215, T replaced by C.
Molecular consequence: intron variant.
Genome position (GRCh38, 1-based): chr2:98,377,806, T>C. VCF-style: chr2-98377806-T-C. GRCh37 (hg19) VCF-style: chr2-98994269-T-C.
Other names: c.215+6T>C (NM_001079878.2).
Identifiers: ClinVar variation 943460 (VCV000943460.9), dbSNP rs972976103, ClinGen allele CA52620714.